The following is an entry in ClinVar:

ClinVar aggregate classification (germline): Likely benign (1 of 4 stars; one submission).

Allele frequency attached by ClinVar (database versions not stated): 1000 Genomes Project 30x 0.00078; 1000 Genomes Project 0.00080; TOPMed 0.00218; ExAC 0.00294.
gnomAD v4.1: 3,972 of 1,303,470 alleles (0.3%); highest among the groups gnomAD compares: Middle Eastern, 0.9%; 12 homozygotes.

Submission:

CeGaT Center for Human Genetics Tuebingen
Classification: Likely benign. Last evaluated: 2022-04-01. Review status: criteria provided, single submitter. Criteria: CeGaT Center For Human Genetics Tuebingen Variant Classification Criteria Version 2. Collection method: clinical testing. Allele origin: germline. Affected: yes. Observed: 1 variant allele.
Comment: MPRIP: BP4, BP7

NM_001364716.4(MPRIP):c.2733T>A (p.Ala911=)

Gene: MPRIP (myosin phosphatase Rho interacting protein; plus strand). Cytogenetic location: 17p11.2.
Variant type: single nucleotide variant.
Coding change: c.2733T>A on transcript NM_001364716.4 (MANE Select); coding-DNA position 2733, T replaced by A.
Protein change: p.Ala911=; no amino-acid change (alanine 911 retained).
Molecular consequence: synonymous variant. On other transcripts: intron variant (2).
Genome position (GRCh38, 1-based): chr17:17,164,324, T>A. VCF-style: chr17-17164324-T-A. GRCh37 (hg19) VCF-style: chr17-17067638-T-A.
Other names: c.2163+2968T>A (NM_201274.4, NM_015134.4).
Identifiers: ClinVar variation 2647512 (VCV002647512.24), dbSNP rs200022863, ClinGen allele CA8415040.
Genomic context (GRCh38, chr17:17,164,324, plus strand): 5'-GATCCGGCACCACGAGGCTGAGATCCGGAGCCTTCAGGCACGGCTCAGCAATGCGGCCGC[T>A]GAGCTAGCCATCAAGGAGCAGGCGCTGGCCAAGCTCAAGGGCGACCTGAAGCGGGAGCAG-3'
Protein context (NP_001351645.2, residues 901-921): SLQARLSNAA[Ala911=]ELAIKEQALA